The following is an entry in ClinVar:

NM_004036.5(ADCY3):c.1341C>T (p.Ala447=)

Gene: ADCY3 (adenylate cyclase 3; minus strand). Cytogenetic location: 2p23.3.
Variant type: single nucleotide variant.
Coding change: c.1341C>T on transcript NM_004036.5 (MANE Select); coding-DNA position 1341, C replaced by T.
Protein change: p.Ala447=; no amino-acid change (alanine 447 retained).
Molecular consequence: synonymous variant.
Genome position (GRCh38, 1-based): chr2:24,839,887, G>A on the plus strand (C>T on the coding strand, the complement: ADCY3 is on the minus strand). VCF-style: chr2-24839887-G-A. GRCh37 (hg19) VCF-style: chr2-25062756-G-A.
Other names: c.1341C>T, p.Ala447= (NM_001320613.2, NM_001377128.1, NM_001377129.1 and 2 more transcripts); c.618C>T, p.Ala206= (NM_001377131.1).
Identifiers: ClinVar variation 1600367 (VCV001600367.31), dbSNP rs376719708, ClinGen allele CA1554216.

ClinVar aggregate classification (germline): Benign/Likely benign. Review status: criteria provided, multiple submitters, no conflicts (2 of 4 stars). 2 submissions from 2 submitters: Benign (1); Likely benign (1). Last evaluated 2024-12-02.

Allele frequency attached by ClinVar (database versions not stated): ESP Exome Variant Server 0.00023; ExAC 0.00036; 1000 Genomes Project 0.00040; gnomAD exomes 0.00041; 1000 Genomes Project 30x 0.00047.
gnomAD v4.1: 407 of 1,613,828 alleles (0.025%); highest among the groups gnomAD compares: South Asian, 0.22%; 6 homozygotes.

Submissions (2):

Labcorp Genetics (formerly Invitae), Labcorp
Classification: Benign. Last evaluated: 2024-12-02. Review status: criteria provided, single submitter. Criteria: Invitae Variant Classification Sherloc (09022015). Collection method: clinical testing. Allele origin: germline.

CeGaT Center for Human Genetics Tuebingen
Classification: Likely benign. Last evaluated: 2024-05-01. Review status: criteria provided, single submitter. Criteria: CeGaT Center For Human Genetics Tuebingen Variant Classification Criteria Version 2. Collection method: clinical testing. Allele origin: germline. Affected: yes. Observed: 2 variant alleles.
Comment: ADCY3: BP4, BP7